The following is an entry in ClinVar:

ClinVar aggregate classification (germline): Benign/Likely benign. Review status: criteria provided, multiple submitters, no conflicts (2 of 4 stars). 3 submissions from 3 submitters: Benign (1); Likely benign (2). Last evaluated 2025-03-19.

Conditions:
Hereditary cancer-predisposing syndrome. Also called: Hereditary Cancer Syndrome; Neoplastic Syndromes, Hereditary; Hereditary neoplastic syndrome; Tumor predisposition. Identifiers: Orphanet 140162, MedGen C0027672, MeSH D009386, MONDO:0015356.
Familial thoracic aortic aneurysm and aortic dissection (TAAD). Also called: Thoracic aortic aneurysms and dissections. Identifiers: Orphanet 91387, MedGen C4707243, MONDO:0019625.
Juvenile polyposis syndrome (JPS). Identifiers: Orphanet 2929, MedGen C0345893, MONDO:0017380, OMIM 174900.
Juvenile polyposis/hereditary hemorrhagic telangiectasia syndrome (JPHT). Also called: JP/HHT SYNDROME; JUVENILE POLYPOSIS WITH HEREDITARY HEMORRHAGIC TELANGIECTASIA; POLYPOSIS, GENERALIZED JUVENILE, WITH PULMONARY ARTERIOVENOUS MALFORMATION; TELANGIECTASIA, HEREDITARY HEMORRHAGIC, WITH JUVENILE POLYPOSIS COLI; Juvenile Polyposis Syndrome / Hereditary Hemorrhagic Telangiectasia (JPS/HHT). Identifiers: Orphanet 2929, MedGen C1832942, MONDO:0008278, OMIM 175050.

Submissions (3):

Myriad Genetics, Inc.
Classification: Benign for Juvenile polyposis/hereditary hemorrhagic telangiectasia syndrome. Last evaluated: 2025-03-19. Review status: criteria provided, single submitter. Criteria: Myriad Autosomal Dominant, Autosomal Recessive and X-Linked Classification Criteria (2023). Collection method: clinical testing. Allele origin: unknown.
Comment: This variant is considered benign. This variant is a silent/synonymous amino acid change and it is not expected to impact splicing.

Ambry Genetics
Classification: Likely benign for Hereditary cancer-predisposing syndrome; Familial thoracic aortic aneurysm and aortic dissection. Last evaluated: 2021-04-23. Review status: criteria provided, single submitter. Criteria: Ambry Variant Classification Scheme 2023. Collection method: clinical testing. Allele origin: germline.

Labcorp Genetics (formerly Invitae), Labcorp
Classification: Likely benign for Juvenile polyposis syndrome. Last evaluated: 2020-06-09. Review status: criteria provided, single submitter. Criteria: Invitae Variant Classification Sherloc (09022015). Collection method: clinical testing. Allele origin: germline.

NM_005359.6(SMAD4):c.441A>G (p.Thr147=)

Gene: SMAD4 (SMAD family member 4; plus strand). Cytogenetic location: 18q21.2.
Variant type: single nucleotide variant.
Coding change: c.441A>G on transcript NM_005359.6 (MANE Select); coding-DNA position 441, A replaced by G.
Protein change: p.Thr147=; no amino-acid change (threonine 147 retained).
Molecular consequence: synonymous variant.
Genome position (GRCh38, 1-based): chr18:51,049,311, A>G. VCF-style: chr18-51049311-A-G. GRCh37 (hg19) VCF-style: chr18-48575681-A-G.
Identifiers: ClinVar variation 1102590 (VCV001102590.12), dbSNP rs1331767404, ClinGen allele CA503873654.